The following is an entry in ClinVar:

ClinVar aggregate classification (germline): Uncertain significance (1 of 4 stars; one submission).

Allele frequency attached by ClinVar (database versions not stated): gnomAD exomes below 0.00001; TOPMed below 0.00001; gnomAD 0.00001.
gnomAD v4.1: 2 of 1,613,528 alleles (0.00012%); highest among the groups gnomAD compares: Non-Finnish European, 0.00017%; no homozygotes.

Submission:

Labcorp Genetics (formerly Invitae), Labcorp
Classification: Uncertain significance. Last evaluated: 2023-07-03. Review status: criteria provided, single submitter. Criteria: Invitae Variant Classification Sherloc (09022015). Collection method: clinical testing. Allele origin: germline.
Comment: This variant is not present in population databases (gnomAD no frequency). This sequence change replaces phenylalanine, which is neutral and non-polar, with cysteine, which is neutral and slightly polar, at codon 108 of the SI protein (p.Phe108Cys). This variant has not been reported in the literature in individuals affected with SI-related conditions. Advanced modeling of protein sequence and biophysical properties (such as structural, functional, and spatial information, amino acid conservation, physicochemical variation, residue mobility, and thermodynamic stability) has been performed at Invitae for this missense variant, however the output from this modeling did not meet the statistical confidence thresholds required to predict the impact of this variant on SI protein function. In summary, the available evidence is currently insufficient to determine the role of this variant in disease. Therefore, it has been classified as a Variant of Uncertain Significance.

NM_001041.4(SI):c.323T>G (p.Phe108Cys)

Gene: SI (sucrase-isomaltase; minus strand). Cytogenetic location: 3q26.1.
Variant type: single nucleotide variant.
Coding change: c.323T>G on transcript NM_001041.4 (MANE Select); coding-DNA position 323, T replaced by G.
Protein change: p.Phe108Cys; replaces phenylalanine 108 with cysteine.
Molecular consequence: missense variant.
Genome position (GRCh38, 1-based): chr3:165,069,128, A>C on the plus strand (T>G on the coding strand, the complement: SI is on the minus strand). VCF-style: chr3-165069128-A-C. GRCh37 (hg19) VCF-style: chr3-164786916-A-C.
Other names: short protein forms F108C.
Identifiers: ClinVar variation 2853410 (VCV002853410.3), dbSNP rs1714410521, ClinGen allele CA355035553.